The following is an entry in ClinVar:

NM_001379500.1(COL18A1):c.2310C>G (p.Ser770Arg)

Gene: COL18A1 (collagen type XVIII alpha 1 chain; plus strand). Cytogenetic location: 21q22.3.
Variant type: single nucleotide variant.
Coding change: c.2310C>G on transcript NM_001379500.1 (MANE Select); coding-DNA position 2310, C replaced by G.
Protein change: p.Ser770Arg; replaces serine 770 with arginine.
Molecular consequence: missense variant.
Genome position (GRCh38, 1-based): chr21:45,493,533, C>G. VCF-style: chr21-45493533-C-G. GRCh37 (hg19) VCF-style: chr21-46913447-C-G.
Other names: NM_130445.2:c.2310C>G; c.2850C>G, p.Ser950Arg (NM_030582.4); c.3555C>G, p.Ser1185Arg (NM_130444.3); short protein forms S950R, S770R, S1185R.
Identifiers: ClinVar variation 1436181 (VCV001436181.5), dbSNP rs1194389817, ClinGen allele CA410497450.

ClinVar aggregate classification (germline): Uncertain significance. Review status: criteria provided, multiple submitters, no conflicts (2 of 4 stars). 2 submissions from 2 submitters: Uncertain significance (2). Last evaluated 2025-08-08.

Conditions:
Inborn genetic diseases. Identifiers: MedGen C0950123, MeSH D030342.

Allele frequency attached by ClinVar (database versions not stated): gnomAD exomes 0.00003.
gnomAD v4.1: 19 of 1,561,734 alleles (0.0012%); highest among the groups gnomAD compares: South Asian, 0.02%; no homozygotes.

Submissions (2):

Ambry Genetics
Classification: Uncertain significance for Inborn genetic diseases. Last evaluated: 2025-08-08. Review status: criteria provided, single submitter. Criteria: Ambry Variant Classification Scheme 2023. Collection method: clinical testing. Allele origin: germline.

Labcorp Genetics (formerly Invitae), Labcorp
Classification: Uncertain significance. Last evaluated: 2023-10-13. Review status: criteria provided, single submitter. Criteria: Invitae Variant Classification Sherloc (09022015). Collection method: clinical testing. Allele origin: germline.
Comment: This sequence change replaces serine with arginine at codon 770 of the COL18A1 protein (p.Ser770Arg). There is a moderate physicochemical difference between serine and arginine. This variant is present in population databases (no rsID available, gnomAD 0.02%). This variant has not been reported in the literature in individuals affected with COL18A1-related conditions. ClinVar contains an entry for this variant (Variation ID: 1436181). Experimental studies and prediction algorithms are not available or were not evaluated, and the functional significance of this variant is currently unknown. In summary, the available evidence is currently insufficient to determine the role of this variant in disease. Therefore, it has been classified as a Variant of Uncertain Significance.